The following is an entry in ClinVar:

ClinVar aggregate classification (germline): Uncertain significance (1 of 4 stars; one submission).

Submission:

Labcorp Genetics (formerly Invitae), Labcorp
Classification: Uncertain significance. Last evaluated: 2022-05-06. Review status: criteria provided, single submitter. Criteria: Invitae Variant Classification Sherloc (09022015). Collection method: clinical testing. Allele origin: germline.
Comment: This variant is not present in population databases (gnomAD no frequency). This sequence change replaces valine, which is neutral and non-polar, with phenylalanine, which is neutral and non-polar, at codon 199 of the TELO2 protein (p.Val199Phe). This variant has not been reported in the literature in individuals affected with TELO2-related conditions. In summary, the available evidence is currently insufficient to determine the role of this variant in disease. Therefore, it has been classified as a Variant of Uncertain Significance. Algorithms developed to predict the effect of missense changes on protein structure and function are either unavailable or do not agree on the potential impact of this missense change (SIFT: "Deleterious"; PolyPhen-2: "Benign"; Align-GVGD: "Class C0").

NM_016111.4(TELO2):c.595G>T (p.Val199Phe)

Gene: TELO2 (telomere maintenance 2; plus strand). Cytogenetic location: 16p13.3.
Variant type: single nucleotide variant.
Coding change: c.595G>T on transcript NM_016111.4 (MANE Select); coding-DNA position 595, G replaced by T.
Protein change: p.Val199Phe; replaces valine 199 with phenylalanine.
Molecular consequence: missense variant.
Genome position (GRCh38, 1-based): chr16:1,495,605, G>T. VCF-style: chr16-1495605-G-T. GRCh37 (hg19) VCF-style: chr16-1545606-G-T.
Other names: c.595G>T, p.Val199Phe (NM_001351846.2); short protein forms V199F.
Identifiers: ClinVar variation 2043202 (VCV002043202.4), dbSNP rs2505912262, ClinGen allele CA394207822.